The following is an entry in ClinVar:

ClinVar aggregate classification (germline): Likely benign. Review status: criteria provided, multiple submitters, no conflicts (2 of 4 stars). 3 submissions from 3 submitters: Likely benign (3). Last evaluated 2024-10-02.

Conditions:
Hereditary cancer-predisposing syndrome. Also called: Neoplastic Syndromes, Hereditary; Hereditary Cancer Syndrome; Tumor predisposition; Hereditary neoplastic syndrome. Identifiers: Orphanet 140162, MedGen C0027672, MeSH D009386, MONDO:0015356.
Familial cancer of breast. Also called: hereditary breast carcinoma; Hereditary breast cancer; BREAST CANCER, FAMILIAL. Identifiers: Orphanet 227535, MedGen C0346153, MONDO:0016419, OMIM 114480. Disease mechanism: loss of function.

Submissions (3):

Myriad Genetics, Inc.
Classification: Likely benign for Familial cancer of breast. Last evaluated: 2024-10-02. Review status: criteria provided, single submitter. Criteria: Myriad Autosomal Dominant, Autosomal Recessive and X-Linked Classification Criteria (2023). Collection method: clinical testing. Allele origin: unknown.
Comment: This variant is considered likely benign. This variant is intronic and is not expected to impact mRNA splicing.

Labcorp Genetics (formerly Invitae), Labcorp
Classification: Likely benign for Familial cancer of breast. Last evaluated: 2022-06-03. Review status: criteria provided, single submitter. Criteria: Invitae Variant Classification Sherloc (09022015). Collection method: clinical testing. Allele origin: germline.

Ambry Genetics
Classification: Likely benign for Hereditary cancer-predisposing syndrome. Last evaluated: 2022-02-03. Review status: criteria provided, single submitter. Criteria: Ambry Variant Classification Scheme 2023. Collection method: clinical testing. Allele origin: germline.

NM_007194.4(CHEK2):c.320-4A>G

Gene: CHEK2 (checkpoint kinase 2; minus strand). Cytogenetic location: 22q12.1.
Variant type: single nucleotide variant.
Coding change: c.320-4A>G on transcript NM_007194.4 (MANE Select); 4 bases into the intron before coding-DNA position 320, A replaced by G.
Molecular consequence: intron variant.
Genome position (GRCh38, 1-based): chr22:28,725,371, T>C on the plus strand (A>G on the coding strand, the complement: CHEK2 is on the minus strand). VCF-style: chr22-28725371-T-C. GRCh37 (hg19) VCF-style: chr22-29121359-T-C.
Other names: c.-344-4A>G (NM_001437942.1); c.320-4A>G (NM_001349956.3, NM_145862.3); c.-458-4A>G (NM_001257387.3); c.413-4A>G (NM_001438295.1, NM_001438293.1); c.449-4A>G (NM_001438294.1, NM_001005735.3).
Identifiers: ClinVar variation 1131402 (VCV001131402.13), dbSNP rs2146072244, ClinGen allele CA2499226103.